The following is an entry in ClinVar:

ClinVar aggregate classification (germline): Pathogenic. Review status: reviewed by expert panel (3 of 4 stars). 8 submissions from 8 submitters: Pathogenic (1). 7 of the submissions do not count toward it. Last evaluated 2022-10-14.

Conditions:
Phenylketonuria (PKU). Also called: Phenylketonuria (PKU); FOLLING DISEASE; OLIGOPHRENIA PHENYLPYRUVICA; Phenylketonurias. Identifiers: Orphanet 716, MedGen C0031485, MONDO:0009861, OMIM 261600. Disease mechanism: loss of function.

Submissions (8):

ClinGen PAH Variant Curation Expert Panel
Classification: Pathogenic for Phenylketonuria. Last evaluated: 2022-10-14. Review status: reviewed by expert panel. Criteria: ClinGen PAH ACMG Specifications v1. Collection method: curation. Allele origin: germline. Inheritance: Autosomal recessive inheritance.
Comment: This c.398_401del (p.Asn133fs) variant in PAH was detected with pathogenic and likely pathogenic variants in multiple patients with classic PKU and one with mild hyperphenylalaninemia (PMID: 22513348, 22526846, 8659548, 22917871, 26666653). This variant was absent in population databases. This is a frameshift variant in exon 4 of 13 predicted to undergo nonsense mediated decay. In summary, this variant meets criteria to be classified as pathogenic for PAH. PAH-specific ACMG/AMP criteria applied: PVS1, PM2, PM3_Strong, PP4_moderate.

Labcorp Genetics (formerly Invitae), Labcorp
Classification: Pathogenic for Phenylketonuria. Last evaluated: 2025-12-23. Review status: criteria provided, single submitter. Criteria: Invitae Variant Classification Sherloc (09022015). Collection method: clinical testing. Allele origin: germline. Not counted in ClinVar's aggregate classification.
Comment: This sequence change creates a premature translational stop signal (p.Asn133Argfs*61) in the PAH gene. It is expected to result in an absent or disrupted protein product. Loss-of-function variants in PAH are known to be pathogenic (PMID: 1301187, 9634518). This variant is not present in population databases (gnomAD no frequency). This premature translational stop signal has been observed in individual(s) with phenylketonuria (PKU) (PMID: 10429004, 23430918, 26666653). ClinVar contains an entry for this variant (Variation ID: 102663). For these reasons, this variant has been classified as Pathogenic.

Variantyx, Inc.
Classification: Pathogenic for Phenylketonuria. Last evaluated: 2025-09-30. Review status: criteria provided, single submitter. Criteria: Variantyx Assertion Criteria 2022. Collection method: clinical testing. Allele origin: germline. Inheritance: Autosomal recessive inheritance. Not counted in ClinVar's aggregate classification.
Comment: This is a frameshift variant in the PAH gene (OMIM: 612349). Pathogenic variants in this gene have been associated with autosomal recessive phenylketonuria. The clinical symptoms reported for individuals with this variant are highly specific for autosomal recessive phenylketonuria, which has a limited genetic etiology (PMID: 26666653, 22513348) (PP4). The alteration introduces a premature termination codon in exon 6 out of 13 and is expected to result in loss of function, which is a known disease mechanism for PAH in this disorder (PMID: 1301187, 9634518) (PVS1). It has been identified in the homozygous or compound heterozygous state in at least 6 individuals reported in the published literature (PMID: 26666653, 22513348) (PM3_Strong), bnut it is absent from control populations (PM2). Based on the evidence, this variant is classified as pathogenic for autosomal recessive phenylketonuria (PKU). This classification has been validated by an expert panel in ClinVar.

Natera, Inc.
Classification: Pathogenic for Phenylketonuria. Last evaluated: 2025-08-31. Review status: criteria provided, single submitter. Criteria: Natera Variant Classification Schema (03/2026). Collection method: clinical testing. Allele origin: germline. Not counted in ClinVar's aggregate classification.
Comment: The c.398_401delATCA variant in PAH is a frameshift variant predicted to shift the reading frame beginning at codon 133 and leads to a stop codon 61 codons downstream. This variant is expected to result in nonsense mediated decay, truncation, or a dysfunctional protein product. This variant is rare in the general population with a frequency below the threshold expected for the associated phenotype(s). This variant has been observed in one or more individuals affected with the associated recessive disease, as either homozygous or compound heterozygous with a second variant (PMID: 22513348). Given the available evidence, this variant is classified as Pathogenic.

GeneDx
Classification: Pathogenic. Last evaluated: 2023-02-22. Review status: criteria provided, single submitter. Criteria: GeneDx Variant Classification Process June 2021. Collection method: clinical testing. Allele origin: germline. Affected: yes. Not counted in ClinVar's aggregate classification.
Comment: Frameshift variant predicted to result in protein truncation or nonsense mediated decay in a gene for which loss-of-function is a known mechanism of disease; Not observed in large population cohorts (gnomAD); This variant is associated with the following publications: (PMID: 10429004, 23430918, 22513348, 27869385, 26666653, 32668217)

Women's Health and Genetics/Laboratory Corporation of America, LabCorp
Classification: Pathogenic for Phenylketonuria. Last evaluated: 2022-10-31. Review status: criteria provided, single submitter. Criteria: LabCorp Variant Classification Summary - May 2015. Collection method: clinical testing. Allele origin: germline. Not counted in ClinVar's aggregate classification.
Comment: Variant summary: PAH c.398_401delATCA (p.Asn133ArgfsX61) results in a premature termination codon, predicted to cause a truncation of the encoded protein or absence of the protein due to nonsense mediated decay, which are commonly known mechanisms for disease. Truncations downstream of this position have been classified as pathogenic by our laboratory. The variant was absent in 251466 control chromosomes (gnomAD). c.398_401delATCA has been reported in the literature in multiple individuals affected with Phenylalanine Hydroxylase Deficiency (Phenylketonuria) (e.g. Guldberg_1996, Groselj_2012). These data indicate that the variant is very likely to be associated with disease. Three ClinVar submitters (evaluation after 2014) cite the variant as pathogenic. Based on the evidence outlined above, the variant was classified as pathogenic.

Counsyl
Classification: Pathogenic for Phenylketonuria. Last evaluated: 2017-01-24. Review status: no assertion criteria provided. Collection method: clinical testing. Allele origin: unknown. Not counted in ClinVar's aggregate classification.

DeBelle Laboratory for Biochemical Genetics, MUHC/MCH RESEARCH INSTITUTE
No classification provided. Review status: no classification provided. Collection method: not provided. Allele origin: not provided. Not counted in ClinVar's aggregate classification.

Literature cited by the submitters: PubMed 1301187 (cited by Labcorp Genetics (formerly Invitae), Labcorp and Variantyx, Inc.); PubMed 9634518 (cited by Labcorp Genetics (formerly Invitae), Labcorp and Variantyx, Inc.); PubMed 10429004 (cited by Labcorp Genetics (formerly Invitae), Labcorp); PubMed 23430918 (cited by Labcorp Genetics (formerly Invitae), Labcorp); PubMed 26666653 (cited by 3 submitters); PubMed 22513348 (cited by 4 submitters); PubMed 8659548 (cited by Women's Health and Genetics/Laboratory Corporation of America, LabCorp and Counsyl); PubMed 22526846 (cited by Counsyl).

NM_000277.3(PAH):c.398_401del (p.Asn133fs)

Gene: PAH (phenylalanine hydroxylase; minus strand). Cytogenetic location: 12q23.2.
Variant type: Deletion.
Coding change: c.398_401del on transcript NM_000277.3 (MANE Select); coding-DNA positions 398 to 401, 4 bases deleted (ATCA; older notation c.398_401delATCA).
Protein change: p.Asn133fs; shifts the reading frame from asparagine 133.
Molecular consequence: frameshift variant.
Genome position (GRCh38, 1-based): chr12:102,877,502-102,877,505, TGAT deleted on the plus strand (ATCA on the coding strand, the reverse complement: PAH is on the minus strand); deleting any 4 consecutive bases within chr12:102,877,502-102,877,507 gives the same sequence; the c. name uses the placement nearest the transcript's 3' end. VCF-style (leftmost placement, unchanged base first): chr12-102877501-CTGAT-C. GRCh37 (hg19) VCF-style: chr12-103271279-CTGAT-C.
Other names: NM_000277.3(PAH):c.398_401del; p.Asn133fs; c.398_401del (NM_000277.1); c.398_401delATCA (NM_000277.2); c.398_401del, p.Asn133fs (NM_001354304.2); short protein forms N133fs.
Identifiers: ClinVar variation 102663 (VCV000102663.20), dbSNP rs199475605, ClinGen allele CA229531.